The following is an entry in ClinVar:

ClinVar aggregate classification (germline): Uncertain significance (1 of 4 stars; one submission).

Submission:

GeneDx
Classification: Uncertain significance. Last evaluated: 2026-03-21. Review status: criteria provided, single submitter. Criteria: GeneDx Variant Classification Process June 2021. Collection method: clinical testing. Allele origin: germline.
Comment: Not observed at significant frequency in large population cohorts (gnomAD); In silico analysis suggests that this missense variant does not alter protein structure/function; Has not been previously published as pathogenic or benign to our knowledge

NM_001128.6(AP1G1):c.1986C>G (p.Asp662Glu)

Gene: AP1G1 (adaptor related protein complex 1 subunit gamma 1; minus strand). Cytogenetic location: 16q22.2.
Variant type: single nucleotide variant.
Coding change: c.1986C>G on transcript NM_001128.6 (MANE Select); coding-DNA position 1986, C replaced by G.
Protein change: p.Asp662Glu; replaces aspartic acid 662 with glutamic acid.
Molecular consequence: missense variant.
Genome position (GRCh38, 1-based): chr16:71,745,157, G>C on the plus strand (C>G on the coding strand, the complement: AP1G1 is on the minus strand). VCF-style: chr16-71745157-G-C. GRCh37 (hg19) VCF-style: chr16-71779060-G-C.
Other names: c.1995C>G, p.Asp665Glu (NM_001030007.2); short protein forms D662E, D665E.
Identifiers: ClinVar variation 5009596 (VCV005009596.1).